The following is an entry in ClinVar:

ClinVar aggregate classification (germline): Uncertain significance (1 of 4 stars; one submission).

Allele frequency attached by ClinVar (database versions not stated): ExAC 0.00002; gnomAD exomes 0.00002.
gnomAD v4.1: 27 of 1,614,232 alleles (0.0017%); highest among the groups gnomAD compares: Admixed American, 0.022%; no homozygotes.

Submission:

Labcorp Genetics (formerly Invitae), Labcorp
Classification: Uncertain significance. Last evaluated: 2025-05-05. Review status: criteria provided, single submitter. Criteria: Invitae Variant Classification Sherloc (09022015). Collection method: clinical testing. Allele origin: germline.
Comment: This sequence change replaces isoleucine, which is neutral and non-polar, with valine, which is neutral and non-polar, at codon 208 of the MRPS22 protein (p.Ile208Val). This variant is present in population databases (rs764923695, gnomAD 0.02%). This variant has not been reported in the literature in individuals affected with MRPS22-related conditions. ClinVar contains an entry for this variant (Variation ID: 2083133). Invitae Evidence Modeling of protein sequence and biophysical properties (such as structural, functional, and spatial information, amino acid conservation, physicochemical variation, residue mobility, and thermodynamic stability) indicates that this missense variant is not expected to disrupt MRPS22 protein function with a negative predictive value of 80%. In summary, the available evidence is currently insufficient to determine the role of this variant in disease. Therefore, it has been classified as a Variant of Uncertain Significance.

NM_020191.4(MRPS22):c.622A>G (p.Ile208Val)

Gene: MRPS22 (mitochondrial ribosomal protein S22; plus strand). Cytogenetic location: 3q23.
Variant type: single nucleotide variant.
Coding change: c.622A>G on transcript NM_020191.4 (MANE Select); coding-DNA position 622, A replaced by G.
Protein change: p.Ile208Val; replaces isoleucine 208 with valine.
Molecular consequence: missense variant.
Genome position (GRCh38, 1-based): chr3:139,350,296, A>G. VCF-style: chr3-139350296-A-G. GRCh37 (hg19) VCF-style: chr3-139069138-A-G.
Other names: c.499A>G, p.Ile167Val (NM_001363857.1); c.619A>G, p.Ile207Val (NM_001363893.1); short protein forms I167V, I207V, I208V.
Identifiers: ClinVar variation 2083133 (VCV002083133.4), dbSNP rs764923695, ClinGen allele CA2640767.